The following is an entry in ClinVar:

ClinVar aggregate classification (germline): Likely pathogenic (0 of 4 stars; one submission).

Conditions:
Neuroendocrine neoplasm. Identifiers: Orphanet 877, MedGen C0206754, MONDO:0019496, HP:0100634, MeSH D018358.

Allele frequency attached by ClinVar (database versions not stated): gnomAD exomes below 0.00001.

Submission:

James Howe Lab, University of Iowa Hospital and Clinics
Classification: Likely pathogenic for Neuroendocrine neoplasm. Last evaluated: 2014-09-05. Review status: no assertion criteria provided. Collection method: research. Allele origin: somatic. Affected: yes. Observed: 1 variant allele.
Comment: Analysis of CDKN1B mutations in 86 patients with small bowel neuroendocrine tumors and 68 patients with pancreas neuroendocrine tumors.

NM_004064.5(CDKN1B):c.334del (p.Ser112fs)

Gene: CDKN1B (cyclin dependent kinase inhibitor 1B; plus strand). Cytogenetic location: 12p13.1.
Variant type: Deletion.
Coding change: c.334del on transcript NM_004064.5 (MANE Select); coding-DNA position 334, one base deleted (A; older notation c.334delA).
Protein change: p.Ser112fs; shifts the reading frame from serine 112.
Molecular consequence: frameshift variant.
Genome position (GRCh38, 1-based): chr12:12,718,173, A deleted. VCF-style (leftmost placement, unchanged base first): chr12-12718172-GA-G. GRCh37 (hg19) VCF-style: chr12-12871106-GA-G.
Other names: c.334delA (NM_004064.4); short protein forms S112fs.
Identifiers: ClinVar variation 157520 (VCV000157520.1), dbSNP rs797044483, ClinGen allele CA212535.